The following is an entry in ClinVar:

ClinVar aggregate classification (germline): Likely benign (1 of 4 stars; one submission).

Allele frequency attached by ClinVar (database versions not stated): gnomAD exomes 0.00020; ExAC 0.00072; ESP Exome Variant Server 0.00188; gnomAD 0.00197; TOPMed 0.00225; 1000 Genomes Project 0.00559; 1000 Genomes Project 30x 0.00578.
gnomAD v4.1: 614 of 1,567,784 alleles (0.039%); highest among the groups gnomAD compares: African/African-American, 0.65%; 2 homozygotes.

Submission:

CeGaT Center for Human Genetics Tuebingen
Classification: Likely benign. Last evaluated: 2023-04-01. Review status: criteria provided, single submitter. Criteria: CeGaT Center For Human Genetics Tuebingen Variant Classification Criteria Version 2. Collection method: clinical testing. Allele origin: germline. Affected: yes. Observed: 1 variant allele.
Comment: SENP6: BP4, BP7, BS2

NM_015571.4(SENP6):c.1872A>G (p.Gln624=)

Gene: SENP6 (SUMO specific peptidase 6; plus strand). Cytogenetic location: 6q14.1.
Variant type: single nucleotide variant.
Coding change: c.1872A>G on transcript NM_015571.4 (MANE Select); coding-DNA position 1872, A replaced by G.
Protein change: p.Gln624=; no amino-acid change (glutamine 624 retained).
Molecular consequence: synonymous variant.
Genome position (GRCh38, 1-based): chr6:75,678,606, A>G. VCF-style: chr6-75678606-A-G. GRCh37 (hg19) VCF-style: chr6-76388322-A-G.
Other names: c.1851A>G, p.Gln617= (NM_001100409.3, NM_001304792.2).
Identifiers: ClinVar variation 2656709 (VCV002656709.24), dbSNP rs142325281, ClinGen allele CA3896342.